The following is an entry in ClinVar:

NM_001042517.2(DIAPH3):c.1157A>G (p.Asp386Gly)

Gene: DIAPH3 (diaphanous related formin 3; minus strand). Cytogenetic location: 13q21.2.
Variant type: single nucleotide variant.
Coding change: c.1157A>G on transcript NM_001042517.2 (MANE Select); coding-DNA position 1157, A replaced by G.
Protein change: p.Asp386Gly; replaces aspartic acid 386 with glycine.
Molecular consequence: missense variant.
Genome position (GRCh38, 1-based): chr13:59,992,155, T>C on the plus strand (A>G on the coding strand, the complement: DIAPH3 is on the minus strand). VCF-style: chr13-59992155-T-C. GRCh37 (hg19) VCF-style: chr13-60566289-T-C.
Other names: c.1157A>G (NM_001042517.1); c.1124A>G, p.Asp375Gly (NM_001258366.2); c.1019A>G, p.Asp340Gly (NM_001258367.2); c.947A>G, p.Asp316Gly (NM_001258368.2); c.1157A>G, p.Asp386Gly (NM_001258369.2); c.368A>G, p.Asp123Gly (NM_001258370.2, NM_030932.4); short protein forms D375G, D386G, D123G, D340G, D316G.
Identifiers: ClinVar variation 2722931 (VCV002722931.4), dbSNP rs368310391, ClinGen allele CA250965082.

ClinVar aggregate classification (germline): Uncertain significance. Review status: criteria provided, multiple submitters, no conflicts (2 of 4 stars). 2 submissions from 2 submitters: Uncertain significance (2). Last evaluated 2024-10-12.

Allele frequency attached by ClinVar (database versions not stated): gnomAD 0.00005; TOPMed 0.00005.
gnomAD v4.1: 111 of 1,611,602 alleles (0.0069%); highest among the groups gnomAD compares: Non-Finnish European, 0.009%; no homozygotes.

Submissions (2):

Ambry Genetics
Classification: Uncertain significance. Last evaluated: 2024-10-12. Review status: criteria provided, single submitter. Criteria: Ambry Variant Classification Scheme 2023. Collection method: clinical testing. Allele origin: germline.

Labcorp Genetics (formerly Invitae), Labcorp
Classification: Uncertain significance. Last evaluated: 2023-12-02. Review status: criteria provided, single submitter. Criteria: Invitae Variant Classification Sherloc (09022015). Collection method: clinical testing. Allele origin: germline.
Comment: This sequence change replaces aspartic acid, which is acidic and polar, with glycine, which is neutral and non-polar, at codon 386 of the DIAPH3 protein (p.Asp386Gly). This variant is present in population databases (no rsID available, gnomAD 0.004%). This variant has not been reported in the literature in individuals affected with DIAPH3-related conditions. An algorithm developed to predict the effect of missense changes on protein structure and function (PolyPhen-2) suggests that this variant is likely to be disruptive. In summary, the available evidence is currently insufficient to determine the role of this variant in disease. Therefore, it has been classified as a Variant of Uncertain Significance.